The following is an entry in ClinVar:

ClinVar aggregate classification (germline): Pathogenic/Likely pathogenic. Review status: criteria provided, multiple submitters, no conflicts (2 of 4 stars). 5 submissions from 5 submitters: Pathogenic (3); Likely pathogenic (1). 1 of the submissions does not count toward it. Last evaluated 2024-05-21.

Conditions:
Primary hyperoxaluria, type I (HP1). Also called: GLYCOLIC ACIDURIA; HEPATIC AGT DEFICIENCY; OXALOSIS I; Primary hyperoxaluria type 1. Identifiers: Orphanet 416, Orphanet 93598, MedGen C0268164, MONDO:0009823, OMIM 259900. Disease mechanism: loss of function.

Submissions (5):

Natera, Inc.
Classification: Pathogenic for Primary hyperoxaluria type I. Last evaluated: 2024-05-21. Review status: criteria provided, single submitter. Criteria: Natera Variant Classification Schema (03/2026). Collection method: clinical testing. Allele origin: germline.
Comment: The c.1161C>A variant in AGXT is a nonsense variant predicted to introduce a stop codon at amino acid 387. This variant may result in a truncated or dysfunctional protein product. This variant is rare in the general population with a frequency below the threshold expected for the associated phenotype(s). This variant has been observed in one or more individuals affected with the associated recessive disease, as either homozygous or compound heterozygous with a second variant (PMID: 37139236, 32556641, 30488096). Given the available evidence, this variant is classified as Pathogenic.

Fulgent Genetics
Classification: Likely pathogenic for Primary hyperoxaluria, type I. Last evaluated: 2024-01-20. Review status: criteria provided, single submitter. Criteria: ACMG Guidelines, 2015. Collection method: clinical testing. Allele origin: germline.

Labcorp Genetics (formerly Invitae), Labcorp
Classification: Pathogenic. Last evaluated: 2023-10-31. Review status: criteria provided, single submitter. Criteria: Invitae Variant Classification Sherloc (09022015). Collection method: clinical testing. Allele origin: germline.
Comment: This sequence change creates a premature translational stop signal (p.Cys387*) in the AGXT gene. While this is not anticipated to result in nonsense mediated decay, it is expected to disrupt the last 6 amino acid(s) of the AGXT protein. This variant is not present in population databases (gnomAD no frequency). This premature translational stop signal has been observed in individual(s) with primary hyperoxaluria (PMID: 30488096, 32556641). In at least one individual the data is consistent with being in trans (on the opposite chromosome) from a pathogenic variant. ClinVar contains an entry for this variant (Variation ID: 2159394). For these reasons, this variant has been classified as Pathogenic.

Juno Genomics, Hangzhou Juno Genomics, Inc
Classification: Pathogenic for Primary hyperoxaluria, type I. Review status: criteria provided, single submitter. Criteria: ACMG Guidelines, 2015. Collection method: clinical testing. Allele origin: germline.
Comment: Absent from controls (or at extremely low frequency if recessive) in Genome Aggregation Database.;Null variant in a gene where loss of function (LOF) is a known mechanism of disease.;For recessive disorders, detected in trans with a pathogenic variant.

Chinese Inherited Urolithiasis Consortium, The Affiliated Yantai Yuhuangding Hospital of Qingdao University
Classification: Pathogenic for Primary hyperoxaluria, type I. Last evaluated: 2024-08-26. Review status: no assertion criteria provided. Collection method: clinical testing. Allele origin: paternal. Affected: yes. Observed: 3 variant alleles. Not counted in ClinVar's aggregate classification.

Literature cited by the submitters: PubMed 37139236 (cited by Natera, Inc.); PubMed 32556641 (cited by Natera, Inc. and Labcorp Genetics (formerly Invitae), Labcorp); PubMed 30488096 (cited by Natera, Inc. and Labcorp Genetics (formerly Invitae), Labcorp).

NM_000030.3(AGXT):c.1161C>A (p.Cys387Ter)

Gene: AGXT (alanine--glyoxylate aminotransferase; plus strand). Cytogenetic location: 2q37.3.
Variant type: single nucleotide variant.
Coding change: c.1161C>A on transcript NM_000030.3 (MANE Select); coding-DNA position 1161, C replaced by A.
Protein change: p.Cys387Ter; replaces cysteine 387 with a stop codon.
Molecular consequence: nonsense.
Genome position (GRCh38, 1-based): chr2:240,878,803, C>A. VCF-style: chr2-240878803-C-A. GRCh37 (hg19) VCF-style: chr2-241818220-C-A.
Other names: c.1161C>A (NM_000030.2); short protein forms C387*.
Identifiers: ClinVar variation 2159394 (VCV002159394.12), dbSNP rs2528766716, ClinGen allele CA351319886.
Genomic context (GRCh38, chr2:240,878,803, plus strand): 5'-TGCCACCCGCGAGAATGTGGACCGCGTGACGGAGGCCCTGAGGGCGGCCCTGCAGCACTG[C>A]CCCAAGAAGAAGCTGTGACCTGCCCACTGGCACACAGCTGGCACTGGCACACACCTGTCC-3'